The following is an entry in ClinVar:

ClinVar aggregate classification (germline): Likely benign. Review status: criteria provided, single submitter (1 of 4 stars). 2 submissions from 2 submitters: Likely benign (1). 1 of the submissions does not count toward it. Last evaluated 2024-08-26.

Conditions:
PCNT-related disorder. Also called: PCNT-related condition.

Allele frequency attached by ClinVar (database versions not stated): TOPMed 0.00001.
gnomAD v4.1: 4 of 1,614,200 alleles (0.00025%); highest among the groups gnomAD compares: Admixed American, 0.0017%; no homozygotes.

Submissions (2):

Labcorp Genetics (formerly Invitae), Labcorp
Classification: Likely benign. Last evaluated: 2024-08-26. Review status: criteria provided, single submitter. Criteria: Invitae Variant Classification Sherloc (09022015). Collection method: clinical testing. Allele origin: germline.

PreventionGenetics, part of Exact Sciences
Classification: Likely benign for PCNT-related condition. Last evaluated: 2021-07-27. Review status: no assertion criteria provided. Collection method: clinical testing. Allele origin: germline. Not counted in ClinVar's aggregate classification.
Comment: This variant is classified as likely benign based on ACMG/AMP sequence variant interpretation guidelines (Richards et al. 2015 PMID: 25741868, with internal and published modifications).

NM_006031.6(PCNT):c.6534C>G (p.Pro2178=)

Gene: PCNT (pericentrin; plus strand). Cytogenetic location: 21q22.3.
Variant type: single nucleotide variant.
Coding change: c.6534C>G on transcript NM_006031.6 (MANE Select); coding-DNA position 6534, C replaced by G.
Protein change: p.Pro2178=; no amino-acid change (proline 2178 retained).
Molecular consequence: synonymous variant.
Genome position (GRCh38, 1-based): chr21:46,416,452, C>G. VCF-style: chr21-46416452-C-G. GRCh37 (hg19) VCF-style: chr21-47836366-C-G.
Other names: c.6534C>G (NM_006031.5); c.6180C>G, p.Pro2060= (NM_001315529.2).
Identifiers: ClinVar variation 2989817 (VCV002989817.4), dbSNP rs776082686, ClinGen allele CA10080352.